The following is an entry in ClinVar:

NM_032578.4(MYPN):c.2028A>G (p.Gln676=)

Gene: MYPN (myopalladin; plus strand). Cytogenetic location: 10q21.3.
Variant type: single nucleotide variant.
Coding change: c.2028A>G on transcript NM_032578.4 (MANE Select); coding-DNA position 2028, A replaced by G.
Protein change: p.Gln676=; no amino-acid change (glutamine 676 retained).
Molecular consequence: synonymous variant. On other transcripts: non-coding transcript variant (2).
Genome position (GRCh38, 1-based): chr10:68,174,120, A>G. VCF-style: chr10-68174120-A-G. GRCh37 (hg19) VCF-style: chr10-69933877-A-G.
Other names: c.2028A>G, p.Gln676= (NM_001256267.2); c.1146A>G, p.Gln382= (NM_001256268.2).
Identifiers: ClinVar variation 227716 (VCV000227716.14), dbSNP rs876657537, ClinGen allele CA10576798.
Genomic context (GRCh38, chr10:68,174,120, plus strand): 5'-GTACAGTGATTCCACTCAGTTACAACAGCTTCATAACCAAGTCTTACTGGAACAACACCA[A>G]TTGCAAAACCCACCTCCTTCATCTCCTAAGGAGTTTCCTTTCAGCATGACTGTTTTGAAC-3'
Protein context (NP_115967.2, residues 666-686): LHNQVLLEQH[Gln676=]LQNPPPSSPK

ClinVar aggregate classification (germline): Likely benign. Review status: criteria provided, multiple submitters, no conflicts (2 of 4 stars). 4 submissions from 4 submitters: Likely benign (4). Last evaluated 2025-08-26.

Conditions:
Cardiovascular phenotype. Identifiers: MedGen CN230736.
Dilated cardiomyopathy 1KK (CMD1KK). Identifiers: Orphanet 154, Orphanet 75249, MedGen C3714995, MONDO:0014100, OMIM 615248.

Allele frequency attached by ClinVar (database versions not stated): gnomAD exomes below 0.00001 and 0.00003; TOPMed 0.00001.
gnomAD v4.1: 43 of 1,614,172 alleles (0.0027%); highest among the groups gnomAD compares: Non-Finnish European, 0.0035%; no homozygotes.

Submissions (4):

Labcorp Genetics (formerly Invitae), Labcorp
Classification: Likely benign for Dilated cardiomyopathy 1KK. Last evaluated: 2025-08-26. Review status: criteria provided, single submitter. Criteria: Invitae Variant Classification Sherloc (09022015). Collection method: clinical testing. Allele origin: germline.

Ambry Genetics
Classification: Likely benign for Cardiovascular phenotype. Last evaluated: 2020-02-24. Review status: criteria provided, single submitter. Criteria: Ambry Variant Classification Scheme 2023. Collection method: clinical testing. Allele origin: germline.

Laboratory for Molecular Medicine, Mass General Brigham Personalized Medicine
Classification: Likely benign. Last evaluated: 2016-01-12. Review status: criteria provided, single submitter. Criteria: LMM Criteria. Collection method: clinical testing. Allele origin: germline. Observed: 1 variant allele.
Comment: p.Gln676Gln in exon 12 of MYPN: This variant is not expected to have clinical si gnificance because it does not alter an amino acid residue and is not located wi thin the splice consensus sequence.

GeneDx
Classification: Likely benign. Last evaluated: 2015-12-08. Review status: criteria provided, single submitter. Criteria: GeneDx Variant Classification (06012015). Collection method: clinical testing. Allele origin: germline. Affected: yes.
Comment: This variant is considered likely benign or benign based on one or more of the following criteria: it is a conservative change, it occurs at a poorly conserved position in the protein, it is predicted to be benign by multiple in silico algorithms, and/or has population frequency not consistent with disease.